The following is an entry in ClinVar:

NM_013447.4(ADGRE2):c.11G>A (p.Arg4His)

Gene: ADGRE2 (adhesion G protein-coupled receptor E2; minus strand). Cytogenetic location: 19p13.12.
Variant type: single nucleotide variant.
Coding change: c.11G>A on transcript NM_013447.4 (MANE Select); coding-DNA position 11, G replaced by A.
Protein change: p.Arg4His; replaces arginine 4 with histidine.
Molecular consequence: missense variant.
Genome position (GRCh38, 1-based): chr19:14,776,746, C>T on the plus strand (G>A on the coding strand, the complement: ADGRE2 is on the minus strand). VCF-style: chr19-14776746-C-T. GRCh37 (hg19) VCF-style: chr19-14887558-C-T.
Other names: c.11G>A, p.Arg4His (NM_001271052.1, NM_152916.2, NM_152917.2); short protein forms R4H.
Identifiers: ClinVar variation 3675229 (VCV003675229.2).

ClinVar aggregate classification (germline): Uncertain significance (1 of 4 stars; one submission).

Submission:

Labcorp Genetics (formerly Invitae), Labcorp
Classification: Uncertain significance. Last evaluated: 2024-11-09. Review status: criteria provided, single submitter. Criteria: Invitae Variant Classification Sherloc (09022015). Collection method: clinical testing. Allele origin: germline.
Comment: This sequence change replaces arginine, which is basic and polar, with histidine, which is basic and polar, at codon 4 of the ADGRE2 protein (p.Arg4His). This variant is not present in population databases (gnomAD no frequency). This variant has not been reported in the literature in individuals affected with ADGRE2-related conditions. An algorithm developed to predict the effect of missense changes on protein structure and function (PolyPhen-2) suggests that this variant is likely to be tolerated. In summary, the available evidence is currently insufficient to determine the role of this variant in disease. Therefore, it has been classified as a Variant of Uncertain Significance.